The following is an entry in ClinVar:

NM_198994.3(TGM6):c.1336+1G>T

Gene: TGM6 (transglutaminase 6; plus strand). Cytogenetic location: 20p13.
Variant type: single nucleotide variant.
Coding change: c.1336+1G>T on transcript NM_198994.3 (MANE Select); the canonical splice donor site of the intron after coding-DNA position 1336, G replaced by T.
Molecular consequence: splice donor variant.
Genome position (GRCh38, 1-based): chr20:2,403,824, G>T. VCF-style: chr20-2403824-G-T. GRCh37 (hg19) VCF-style: chr20-2384470-G-T.
Other names: c.1336+1G>T (NM_001254734.2).
Identifiers: ClinVar variation 1299628 (VCV001299628.1), dbSNP rs2122376594, ClinGen allele CA408013621.

ClinVar aggregate classification (germline): Pathogenic (1 of 4 stars; one submission).

Conditions:
Spinocerebellar ataxia type 35. Identifiers: Orphanet 276193, MedGen C3888031, MONDO:0013485, OMIM 613908.

Submission:

Laboratory of Medical Genetics, National & Kapodistrian University of Athens
Classification: Pathogenic for Spinocerebellar ataxia type 35. Last evaluated: 2021-10-01. Review status: criteria provided, single submitter. Criteria: ACMG Guidelines, 2015. Collection method: clinical testing. Allele origin: paternal. Affected: yes.
Comment: PVS1, PM2, PP3

Literature cited by the submitters: PubMed 34008892.